The following is an entry in ClinVar:

NM_032730.5(RTN4IP1):c.820C>G (p.Leu274Val)

Gene: RTN4IP1 (reticulon 4 interacting protein 1; minus strand). Cytogenetic location: 6q21.
Variant type: single nucleotide variant.
Coding change: c.820C>G on transcript NM_032730.5 (MANE Select); coding-DNA position 820, C replaced by G.
Protein change: p.Leu274Val; replaces leucine 274 with valine.
Molecular consequence: missense variant.
Genome position (GRCh38, 1-based): chr6:106,587,849, G>C on the plus strand (C>G on the coding strand, the complement: RTN4IP1 is on the minus strand). VCF-style: chr6-106587849-G-C. GRCh37 (hg19) VCF-style: chr6-107035724-G-C.
Other names: c.520C>G, p.Leu174Val (NM_001318746.1); short protein forms L174V, L274V.
Identifiers: ClinVar variation 1350753 (VCV001350753.4), dbSNP rs1046496679, ClinGen allele CA144971603.

ClinVar aggregate classification (germline): Uncertain significance. Review status: criteria provided, multiple submitters, no conflicts (2 of 4 stars). 2 submissions from 2 submitters: Uncertain significance (2). Last evaluated 2026-07-01.

Allele frequency attached by ClinVar (database versions not stated): gnomAD exomes below 0.00001; gnomAD 0.00001.
gnomAD v4.1: 3 of 1,612,052 alleles (0.00019%); highest among the groups gnomAD compares: Admixed American, 0.0017%; no homozygotes.

Submissions (2):

CeGaT Center for Human Genetics Tuebingen
Classification: Uncertain significance. Last evaluated: 2026-07-01. Review status: criteria provided, single submitter. Criteria: CeGaT Center For Human Genetics Tuebingen Variant Classification Criteria Version 2. Collection method: clinical testing. Allele origin: germline. Affected: yes. Observed: 1 variant allele.
Comment: RTN4IP1: PM2

Labcorp Genetics (formerly Invitae), Labcorp
Classification: Uncertain significance. Last evaluated: 2021-09-24. Review status: criteria provided, single submitter. Criteria: Invitae Variant Classification Sherloc (09022015). Collection method: clinical testing. Allele origin: germline.
Comment: This sequence change replaces leucine with valine at codon 274 of the RTN4IP1 protein (p.Leu274Val). The leucine residue is highly conserved and there is a small physicochemical difference between leucine and valine. This variant is not present in population databases (ExAC no frequency). This variant has not been reported in the literature in individuals affected with RTN4IP1-related conditions. Algorithms developed to predict the effect of missense changes on protein structure and function (SIFT, PolyPhen-2, Align-GVGD) all suggest that this variant is likely to be disruptive. In summary, the available evidence is currently insufficient to determine the role of this variant in disease. Therefore, it has been classified as a Variant of Uncertain Significance.